The following is an entry in ClinVar:

ClinVar aggregate classification (germline): Pathogenic (1 of 4 stars; one submission).

Conditions:
Neurofibromatosis, type 1 (NF1). Also called: NEUROFIBROMATOSIS, TYPE I, SOMATIC; Peripheral type neurofibromatosis; Neurofibromatosis, type I; VON RECKLINGHAUSEN DISEASE. Identifiers: Orphanet 636, MedGen C0027831, MONDO:0018975, OMIM 162200. Disease mechanism: loss of function.

Submission:

Labcorp Genetics (formerly Invitae), Labcorp
Classification: Pathogenic for Neurofibromatosis, type 1. Last evaluated: 2024-11-22. Review status: criteria provided, single submitter. Criteria: Invitae Variant Classification Sherloc (09022015). Collection method: clinical testing. Allele origin: germline.
Comment: This sequence change creates a premature translational stop signal (p.Leu1780Phefs*18) in the NF1 gene. It is expected to result in an absent or disrupted protein product. Loss-of-function variants in NF1 are known to be pathogenic (PMID: 10712197, 23913538). This variant is not present in population databases (gnomAD no frequency). This variant has not been reported in the literature in individuals affected with NF1-related conditions. Algorithms developed to predict the effect of sequence changes on RNA splicing suggest that this variant may create or strengthen a splice site. For these reasons, this variant has been classified as Pathogenic.

Literature cited by the submitters: PubMed 10712197; PubMed 23913538.

NM_001042492.3(NF1):c.5402dup (p.Leu1801fs)

Gene: NF1 (neurofibromin 1; plus strand). Cytogenetic location: 17q11.2.
Variant type: Duplication.
Coding change: c.5402dup on transcript NM_001042492.3 (MANE Select); coding-DNA position 5402, one base duplicated (T; older notation c.5402dupT).
Protein change: p.Leu1801fs; shifts the reading frame from leucine 1801.
Molecular consequence: frameshift variant.
Genome position (GRCh38, 1-based): chr17:31,327,632, T duplicated; the last of 2 consecutive T bases (chr17:31,327,631-31,327,632); duplicating either gives the same sequence. VCF-style (leftmost placement, unchanged base first): chr17-31327630-C-CT. GRCh37 (hg19) VCF-style: chr17-29654648-C-CT.
Other names: c.5339dup, p.Leu1780Phefs (NM_000267.4); short protein forms L1801fs, L1780fs.
Identifiers: ClinVar variation 3725806 (VCV003725806.2).